The following is an entry in ClinVar:

NM_006766.5(KAT6A):c.4191AGA[1] (p.Glu1398del)

Gene: KAT6A (lysine acetyltransferase 6A; minus strand). Cytogenetic location: 8p11.21.
Variant type: Microsatellite.
Coding change: c.4191AGA[1] on transcript NM_006766.5 (MANE Select); one copy of the 3-base unit AGA starting at c.4191; the reference has two copies in a row; one copy, 3 bases deleted.
Protein change: p.Glu1398del; deletes glutamic acid 1398.
Molecular consequence: inframe deletion.
Genome position (GRCh38, 1-based): chr8:41,934,024-41,934,026, TCT deleted on the plus strand (AGA on the coding strand, the reverse complement: KAT6A is on the minus strand); deleting any 3 consecutive bases within chr8:41,934,024-41,934,031 gives the same sequence; the position shown is the placement nearest the transcript's 3' end. VCF-style (leftmost placement, unchanged base first): chr8-41934023-GTCT-G. GRCh37 (hg19) VCF-style: chr8-41791541-GTCT-G.
Other names: short protein forms E1398del.
Identifiers: ClinVar variation 4991142 (VCV004991142.1).

ClinVar aggregate classification (germline): Uncertain significance (1 of 4 stars; one submission).

Conditions:
KAT6A-related disorder. Also called: KAT6A-related condition.

Submission:

PreventionGenetics, part of Exact Sciences
Classification: Uncertain significance for KAT6A-related condition. Last evaluated: 2026-04-20. Review status: criteria provided, single submitter. Criteria: ACMG Guidelines, 2015. Collection method: clinical testing. Allele origin: germline.
Comment: The KAT6A c.4194_4196delAGA variant is predicted to result in an in-frame deletion (p.Glu1398del). To our knowledge, this variant has not been reported in the literature or in a large population database (gnomAD), indicating this variant is rare. At this time, the clinical significance of this variant is uncertain due to the absence of conclusive functional and genetic evidence.